The following is an entry in ClinVar:

ClinVar aggregate classification (germline): Uncertain significance (1 of 4 stars; one submission).

Conditions:
Progressive myoclonic epilepsy type 9. Identifiers: Orphanet 457265, MedGen C4225289, MONDO:0014685, OMIM 616540.
Lipodystrophy, partial, acquired, susceptibility to (APLD). Also called: APLD, SUSCEPTIBILITY TO. Identifiers: MedGen C3887501, MONDO:0100476, OMIM 608709.

gnomAD v4.1: 5 of 1,612,044 alleles (0.00031%); highest among the groups gnomAD compares: Non-Finnish European, 0.00042%; no homozygotes.

Submission:

Labcorp Genetics (formerly Invitae), Labcorp
Classification: Uncertain significance for Progressive myoclonic epilepsy type 9; Lipodystrophy, partial, acquired, susceptibility to. Last evaluated: 2023-08-24. Review status: criteria provided, single submitter. Criteria: Invitae Variant Classification Sherloc (09022015). Collection method: clinical testing. Allele origin: germline.
Comment: This variant has not been reported in the literature in individuals affected with LMNB2-related conditions. This variant is not present in population databases (gnomAD no frequency). This sequence change replaces threonine, which is neutral and polar, with arginine, which is basic and polar, at codon 454 of the LMNB2 protein (p.Thr454Arg). ClinVar contains an entry for this variant (Variation ID: 2063817). In summary, the available evidence is currently insufficient to determine the role of this variant in disease. Therefore, it has been classified as a Variant of Uncertain Significance. An algorithm developed to predict the effect of missense changes on protein structure and function (PolyPhen-2) suggests that this variant is likely to be tolerated.

NM_032737.4(LMNB2):c.1361C>G (p.Thr454Arg)

Gene: LMNB2 (lamin B2; minus strand). Cytogenetic location: 19p13.3.
Variant type: single nucleotide variant.
Coding change: c.1361C>G on transcript NM_032737.4 (MANE Select); coding-DNA position 1361, C replaced by G.
Protein change: p.Thr454Arg; replaces threonine 454 with arginine.
Molecular consequence: missense variant.
Genome position (GRCh38, 1-based): chr19:2,433,947, G>C on the plus strand (C>G on the coding strand, the complement: LMNB2 is on the minus strand). VCF-style: chr19-2433947-G-C. GRCh37 (hg19) VCF-style: chr19-2433945-G-C.
Other names: short protein forms T454R.
Identifiers: ClinVar variation 2063817 (VCV002063817.4), dbSNP rs200356238, ClinGen allele CA403251825.
Genomic context (GRCh38, chr19:2,433,947, plus strand): 5'-ACGCTACCCGAGGCCGAGGCCTGCTGGGCCAGGTGGAAGCCACCGCTGCCACCCGTGCCC[G>C]TGCCCAGGACGCTTGGGCCGCTGCCCAAGGGCTCCTCCACCTCCAGCCGCTTCCGCTTAC-3'
Protein context (NP_116126.3, residues 444-464): PLGSGPSVLG[Thr454Arg]GTGGSGGFHL